The following is an entry in ClinVar:

NM_033004.4(NLRP1):c.2803G>A (p.Asp935Asn)

Gene: NLRP1 (NLR family pyrin domain containing 1; minus strand). Cytogenetic location: 17p13.2.
Variant type: single nucleotide variant.
Coding change: c.2803G>A on transcript NM_033004.4 (MANE Select); coding-DNA position 2803, G replaced by A.
Protein change: p.Asp935Asn; replaces aspartic acid 935 with asparagine.
Molecular consequence: missense variant.
Genome position (GRCh38, 1-based): chr17:5,539,482, C>T on the plus strand (G>A on the coding strand, the complement: NLRP1 is on the minus strand). VCF-style: chr17-5539482-C-T. GRCh37 (hg19) VCF-style: chr17-5442802-C-T.
Other names: c.2803G>A, p.Asp935Asn (NM_001033053.3, NM_014922.5, NM_033006.4 and 1 more transcripts); short protein forms D935N.
Identifiers: ClinVar variation 2900785 (VCV002900785.3), dbSNP rs200875871, ClinGen allele CA8327057.

ClinVar aggregate classification (germline): Uncertain significance (1 of 4 stars; one submission).

Allele frequency attached by ClinVar (database versions not stated): gnomAD 0.00003; TOPMed 0.00003; ExAC 0.00007.
gnomAD v4.1: 41 of 1,614,080 alleles (0.0025%); highest among the groups gnomAD compares: Non-Finnish European, 0.0031%; no homozygotes.

Submission:

Labcorp Genetics (formerly Invitae), Labcorp
Classification: Uncertain significance. Last evaluated: 2025-12-28. Review status: criteria provided, single submitter. Criteria: Invitae Variant Classification Sherloc (09022015). Collection method: clinical testing. Allele origin: germline.
Comment: This sequence change replaces aspartic acid, which is acidic and polar, with asparagine, which is neutral and polar, at codon 935 of the NLRP1 protein (p.Asp935Asn). This variant is present in population databases (rs200875871, gnomAD 0.009%). This variant has not been reported in the literature in individuals affected with NLRP1-related conditions. ClinVar contains an entry for this variant (Variation ID: 2900785). An algorithm developed to predict the effect of missense changes on protein structure and function (PolyPhen-2) suggests that this variant is likely to be tolerated. In summary, the available evidence is currently insufficient to determine the role of this variant in disease. Therefore, it has been classified as a Variant of Uncertain Significance.